The following is an entry in ClinVar:

NM_138927.4(SON):c.3467C>A (p.Thr1156Lys)

Gene: SON (SON DNA and RNA binding protein; plus strand). Cytogenetic location: 21q22.11.
Variant type: single nucleotide variant.
Coding change: c.3467C>A on transcript NM_138927.4 (MANE Select); coding-DNA position 3467, C replaced by A.
Protein change: p.Thr1156Lys; replaces threonine 1156 with lysine.
Molecular consequence: missense variant. On other transcripts: non-coding transcript variant (1), intron variant (1).
Genome position (GRCh38, 1-based): chr21:33,552,698, C>A. VCF-style: chr21-33552698-C-A. GRCh37 (hg19) VCF-style: chr21-34925004-C-A.
Other names: c.3467C>A, p.Thr1156Lys (NM_001291411.2, NM_001412133.1, NM_032195.3 and 2 more transcripts); c.245-4458C>A (NM_001291412.3); c.3467C>A (NM_138927.1); short protein forms T1156K.
Identifiers: ClinVar variation 3012358 (VCV003012358.4), dbSNP rs753618841, ClinGen allele CA10009299.

ClinVar aggregate classification (germline): Uncertain significance. Review status: criteria provided, multiple submitters, no conflicts (2 of 4 stars). 2 submissions from 2 submitters: Uncertain significance (2). Last evaluated 2025-12-04.

Conditions:
Inborn genetic diseases. Identifiers: MedGen C0950123, MeSH D030342.

Allele frequency attached by ClinVar (database versions not stated): TOPMed below 0.00001; ExAC 0.00001.

Submissions (2):

Ambry Genetics
Classification: Uncertain significance for Inborn genetic diseases. Last evaluated: 2025-12-04. Review status: criteria provided, single submitter. Criteria: Ambry Variant Classification Scheme 2023. Collection method: clinical testing. Allele origin: germline.
Comment: The c.3467C>A (p.T1156K) alteration is located in exon 3 (coding exon 3) of the SON gene. This alteration results from a C to A substitution at nucleotide position 3467, causing the threonine (T) at amino acid position 1156 to be replaced by a lysine (K). Based on data from gnomAD, the A allele has an overall frequency of 0.001% (2/251340) total alleles studied. The highest observed frequency was 0.006% (2/34582) of Latino alleles. Based on insufficient or conflicting evidence, the clinical significance of this alteration remains unclear.

Labcorp Genetics (formerly Invitae), Labcorp
Classification: Uncertain significance. Last evaluated: 2025-10-13. Review status: criteria provided, single submitter. Criteria: Invitae Variant Classification Sherloc (09022015). Collection method: clinical testing. Allele origin: germline.
Comment: This sequence change replaces threonine, which is neutral and polar, with lysine, which is basic and polar, at codon 1156 of the SON protein (p.Thr1156Lys). This variant is present in population databases (rs753618841, gnomAD 0.006%). This variant has not been reported in the literature in individuals affected with SON-related conditions. ClinVar contains an entry for this variant (Variation ID: 3012358). An algorithm developed to predict the effect of missense changes on protein structure and function (PolyPhen-2) suggests that this variant is likely to be disruptive. In summary, the available evidence is currently insufficient to determine the role of this variant in disease. Therefore, it has been classified as a Variant of Uncertain Significance.